The following is an entry in ClinVar:

ClinVar aggregate classification (germline): Benign. Review status: criteria provided, multiple submitters, no conflicts (2 of 4 stars). 3 submissions from 3 submitters: Benign (3). Last evaluated 2026-01-28.

Allele frequency attached by ClinVar (database versions not stated): gnomAD 0.01330 and 0.01807; ESP Exome Variant Server 0.00715; gnomAD exomes 0.01559 and 0.03065; 1000 Genomes Project 30x 0.05809; TOPMed 0.01782; ExAC 0.03192; 1000 Genomes Project 0.06490.
gnomAD v4.1: 22,438 of 1,386,918 alleles (1.6%); highest among the groups gnomAD compares: East Asian, 24%; 1,431 homozygotes.

Submissions (3):

Labcorp Genetics (formerly Invitae), Labcorp
Classification: Benign. Last evaluated: 2026-01-28. Review status: criteria provided, single submitter. Criteria: Invitae Variant Classification Sherloc (09022015). Collection method: clinical testing. Allele origin: germline.

GeneDx
Classification: Benign. Last evaluated: 2018-05-10. Review status: criteria provided, single submitter. Criteria: GeneDx Variant Classification (06012015). Collection method: clinical testing. Allele origin: germline. Affected: yes.
Comment: This variant is considered likely benign or benign based on one or more of the following criteria: it is a conservative change, it occurs at a poorly conserved position in the protein, it is predicted to be benign by multiple in silico algorithms, and/or has population frequency not consistent with disease.

Breakthrough Genomics
Classification: Benign. Review status: criteria provided, single submitter. Criteria: ACMG Guidelines, 2015. Collection method: not provided. Allele origin: germline. Inheritance: Autosomal recessive inheritance. Affected: yes.

NM_001267052.2(UNC45B):c.1413G>A (p.Lys471=)

Gene: UNC45B (unc-45 myosin chaperone B; plus strand). Cytogenetic location: 17q12.
Variant type: single nucleotide variant.
Coding change: c.1413G>A on transcript NM_001267052.2 (MANE Select); coding-DNA position 1413, G replaced by A.
Protein change: p.Lys471=; no amino-acid change (lysine 471 retained).
Molecular consequence: synonymous variant.
Genome position (GRCh38, 1-based): chr17:35,168,322, G>A. VCF-style: chr17-35168322-G-A. GRCh37 (hg19) VCF-style: chr17-33495341-G-A.
Other names: c.1413G>A, p.Lys471= (NM_001033576.2, NM_001308281.1, NM_173167.3).
Identifiers: ClinVar variation 668201 (VCV000668201.10), dbSNP rs35879240, ClinGen allele CA8501127.